The following is an entry in ClinVar:

NM_000138.5(FBN1):c.3456G>A (p.Ala1152=)

Gene: FBN1 (fibrillin 1; minus strand). Cytogenetic location: 15q21.1.
Variant type: single nucleotide variant.
Coding change: c.3456G>A on transcript NM_000138.5 (MANE Select); coding-DNA position 3456, G replaced by A.
Protein change: p.Ala1152=; no amino-acid change (alanine 1152 retained).
Molecular consequence: synonymous variant.
Genome position (GRCh38, 1-based): chr15:48,487,319, C>T on the plus strand (G>A on the coding strand, the complement: FBN1 is on the minus strand). VCF-style: chr15-48487319-C-T. GRCh37 (hg19) VCF-style: chr15-48779516-C-T.
Identifiers: ClinVar variation 922912 (VCV000922912.13), dbSNP rs777442762, ClinGen allele CA050650.

ClinVar aggregate classification (germline): Likely benign. Review status: criteria provided, multiple submitters, no conflicts (2 of 4 stars). 5 submissions from 5 submitters: Likely benign (5). Last evaluated 2025-08-18.

Conditions:
Familial thoracic aortic aneurysm and aortic dissection (TAAD). Also called: Thoracic aortic aneurysms and dissections. Identifiers: Orphanet 91387, MedGen C4707243, MONDO:0019625.
Marfan syndrome (MFS). Also called: Marfan syndrome, classic; Marfan syndrome type 1; Marfan's syndrome; FBN1-Related Marfan Syndrome; MARFAN SYNDROME, TYPE I. Identifiers: Orphanet 284963, Orphanet 558, MedGen C0024796, MONDO:0007947, OMIM 154700.

Allele frequency attached by ClinVar (database versions not stated): gnomAD exomes 0.00001 and 0.00002; TOPMed 0.00003; ExAC 0.00002.
gnomAD v4.1: 22 of 1,614,226 alleles (0.0014%); highest among the groups gnomAD compares: Middle Eastern, 0.016%; no homozygotes.

Submissions (5):

Labcorp Genetics (formerly Invitae), Labcorp
Classification: Likely benign for Marfan syndrome; Familial thoracic aortic aneurysm and aortic dissection. Last evaluated: 2025-08-18. Review status: criteria provided, single submitter. Criteria: Invitae Variant Classification Sherloc (09022015). Collection method: clinical testing. Allele origin: germline.

Ambry Genetics
Classification: Likely benign for Familial thoracic aortic aneurysm and aortic dissection. Last evaluated: 2024-10-08. Review status: criteria provided, single submitter. Criteria: Ambry Variant Classification Scheme 2023. Collection method: clinical testing. Allele origin: germline.

All of Us Research Program, National Institutes of Health
Classification: Likely benign for Marfan syndrome. Last evaluated: 2023-11-02. Review status: criteria provided, single submitter. Criteria: ACMG Guidelines, 2015. Collection method: clinical testing. Allele origin: germline. Inheritance: Autosomal dominant inheritance. Observed: 4 variant alleles, 4 heterozygotes.
Comment: This study involves interpretation of variants in research participants for the purpose of population health screening. Participant phenotype was not available at the time of variant classification. Additional details can be found in publication PMID: 35346344, PMCID: PMC8962531

Blueprint Genetics
Classification: Likely benign. Last evaluated: 2023-08-15. Review status: criteria provided, single submitter. Criteria: ACMG Guidelines, 2015. Collection method: clinical testing. Allele origin: germline.

Color Diagnostics, LLC DBA Color Health
Classification: Likely benign for Familial thoracic aortic aneurysm and aortic dissection. Last evaluated: 2019-01-20. Review status: criteria provided, single submitter. Criteria: ACMG Guidelines, 2015. Collection method: clinical testing. Allele origin: germline.